The following is an entry in ClinVar:

NM_001376.5(DYNC1H1):c.7370C>T (p.Ser2457Leu)

Gene: DYNC1H1 (dynein cytoplasmic 1 heavy chain 1; plus strand). Cytogenetic location: 14q32.31.
Variant type: single nucleotide variant.
Coding change: c.7370C>T on transcript NM_001376.5 (MANE Select); coding-DNA position 7370, C replaced by T.
Protein change: p.Ser2457Leu; replaces serine 2457 with leucine.
Molecular consequence: missense variant.
Genome position (GRCh38, 1-based): chr14:102,015,983, C>T. VCF-style: chr14-102015983-C-T. GRCh37 (hg19) VCF-style: chr14-102482320-C-T.
Other names: short protein forms S2457L.
Identifiers: ClinVar variation 1384370 (VCV001384370.9), dbSNP rs2152582020, ClinGen allele CA391001975.

ClinVar aggregate classification (germline): Uncertain significance. Review status: criteria provided, multiple submitters, no conflicts (2 of 4 stars). 2 submissions from 2 submitters: Uncertain significance (2). Last evaluated 2025-06-04.

Conditions:
Charcot-Marie-Tooth disease axonal type 2O. Also called: CHARCOT-MARIE-TOOTH NEUROPATHY, AXONAL, TYPE 2O; CHARCOT-MARIE-TOOTH DISEASE, AXONAL, AUTOSOMAL DOMINANT, TYPE 2O; Charcot-Marie-Tooth Neuropathy Type 2O; Charcot-Marie-Tooth disease, axonal, type 20. Identifiers: Orphanet 284232, MedGen C3280220, MONDO:0013644, OMIM 614228.

Submissions (2):

Labcorp Genetics (formerly Invitae), Labcorp
Classification: Uncertain significance for Charcot-Marie-Tooth disease axonal type 2O. Last evaluated: 2025-06-04. Review status: criteria provided, single submitter. Criteria: Invitae Variant Classification Sherloc (09022015). Collection method: clinical testing. Allele origin: germline.
Comment: This sequence change replaces serine, which is neutral and polar, with leucine, which is neutral and non-polar, at codon 2457 of the DYNC1H1 protein (p.Ser2457Leu). This variant is not present in population databases (gnomAD no frequency). This variant has not been reported in the literature in individuals affected with DYNC1H1-related conditions. ClinVar contains an entry for this variant (Variation ID: 1384370). Invitae Evidence Modeling of protein sequence and biophysical properties (such as structural, functional, and spatial information, amino acid conservation, physicochemical variation, residue mobility, and thermodynamic stability) has been performed for this missense variant. However, the output from this modeling did not meet the statistical confidence thresholds required to predict the impact of this variant on DYNC1H1 protein function. In summary, the available evidence is currently insufficient to determine the role of this variant in disease. Therefore, it has been classified as a Variant of Uncertain Significance.

GeneDx
Classification: Uncertain significance. Last evaluated: 2021-07-07. Review status: criteria provided, single submitter. Criteria: GeneDx Variant Classification Process June 2021. Collection method: clinical testing. Allele origin: germline. Affected: yes.
Comment: Not observed at significant frequency in large population cohorts (gnomAD); In silico analysis supports that this missense variant has a deleterious effect on protein structure/function; Has not been previously published as pathogenic or benign to our knowledge; This variant is associated with the following publications: (PMID: 27535533)